The following is an entry in ClinVar:

ClinVar aggregate classification (germline): Uncertain significance (1 of 4 stars; one submission).

Conditions:
Hereditary cancer-predisposing syndrome. Also called: Neoplastic Syndromes, Hereditary; Tumor predisposition; Hereditary neoplastic syndrome; Hereditary Cancer Syndrome. Identifiers: Orphanet 140162, MedGen C0027672, MeSH D009386, MONDO:0015356.

Submission:

Ambry Genetics
Classification: Uncertain significance for Hereditary cancer-predisposing syndrome. Last evaluated: 2026-06-24. Review status: criteria provided, single submitter. Criteria: Ambry Variant Classification Scheme 2023. Collection method: clinical testing. Allele origin: germline.
Comment: The p.I558L variant (also known as c.1672A>T), located in coding exon 6 of the BLM gene, results from an A to T substitution at nucleotide position 1672. The isoleucine at codon 558 is replaced by leucine, an amino acid with highly similar properties. This amino acid position is conserved. In addition, this alteration is predicted to be tolerated by in silico analysis. Based on the available evidence, the clinical significance of this variant remains unclear.

NM_000057.4(BLM):c.1672A>T (p.Ile558Leu)

Gene: BLM (BLM RecQ like helicase; plus strand). Cytogenetic location: 15q26.1.
Variant type: single nucleotide variant.
Coding change: c.1672A>T on transcript NM_000057.4 (MANE Select); coding-DNA position 1672, A replaced by T.
Protein change: p.Ile558Leu; replaces isoleucine 558 with leucine.
Molecular consequence: missense variant.
Genome position (GRCh38, 1-based): chr15:90,761,045, A>T. VCF-style: chr15-90761045-A-T. GRCh37 (hg19) VCF-style: chr15-91304275-A-T.
Other names: c.1672A>T, p.Ile558Leu (NM_001287246.2, NM_001287247.2); c.547A>T, p.Ile183Leu (NM_001287248.2); short protein forms I558L, I183L.
Identifiers: ClinVar variation 5032870 (VCV005032870.1).